The following is an entry in ClinVar:

NM_001256545.2(MEGF10):c.1533C>T (p.Asp511=)

Gene: MEGF10 (multiple EGF like domains 10; plus strand). Cytogenetic location: 5q23.2.
Variant type: single nucleotide variant.
Coding change: c.1533C>T on transcript NM_001256545.2 (MANE Select); coding-DNA position 1533, C replaced by T.
Protein change: p.Asp511=; no amino-acid change (aspartic acid 511 retained).
Molecular consequence: synonymous variant.
Genome position (GRCh38, 1-based): chr5:127,420,150, C>T. VCF-style: chr5-127420150-C-T. GRCh37 (hg19) VCF-style: chr5-126755842-C-T.
Other names: c.1533C>T, p.Asp511= (NM_001308119.2, NM_001308121.2, NM_032446.3).
Identifiers: ClinVar variation 507415 (VCV000507415.16), dbSNP rs151266058, ClinGen allele CA3391600.

ClinVar aggregate classification (germline): Likely benign. Review status: criteria provided, multiple submitters, no conflicts (2 of 4 stars). 5 submissions from 5 submitters: Likely benign (4). 1 of the submissions does not count toward it. Last evaluated 2025-11-24.

Conditions:
MEGF10-related disorder. Also called: MEGF10-related condition.
MEGF10-related myopathy (CMYO10A). Also called: Congenital myopathy 10A, severe variant. Identifiers: Orphanet 439212, MedGen C3280679, MONDO:0013731, OMIM 614399.

Allele frequency attached by ClinVar (database versions not stated): gnomAD exomes 0.00006; gnomAD 0.00042 and 0.00046; TOPMed 0.00053; 1000 Genomes Project 30x 0.00062; ESP Exome Variant Server 0.00062; 1000 Genomes Project 0.00080.
gnomAD v4.1: 156 of 1,614,172 alleles (0.0097%); highest among the groups gnomAD compares: African/African-American, 0.12%; no homozygotes.

Submissions (5):

Labcorp Genetics (formerly Invitae), Labcorp
Classification: Likely benign for MEGF10-related myopathy. Last evaluated: 2025-11-24. Review status: criteria provided, single submitter. Criteria: Invitae Variant Classification Sherloc (09022015). Collection method: clinical testing. Allele origin: germline.

Blueprint Genetics
Classification: Likely benign. Last evaluated: 2023-02-03. Review status: criteria provided, single submitter. Criteria: ACMG Guidelines, 2015. Collection method: clinical testing. Allele origin: germline.

GeneDx
Classification: Likely benign. Last evaluated: 2017-02-15. Review status: criteria provided, single submitter. Criteria: GeneDx Variant Classification (06012015). Collection method: clinical testing. Allele origin: germline. Affected: yes.
Comment: This variant is considered likely benign or benign based on one or more of the following criteria: it is a conservative change, it occurs at a poorly conserved position in the protein, it is predicted to be benign by multiple in silico algorithms, and/or has population frequency not consistent with disease.

Breakthrough Genomics
Classification: Likely benign. Review status: criteria provided, single submitter. Criteria: ACMG Guidelines, 2015. Collection method: not provided. Allele origin: germline. Inheritance: Autosomal recessive inheritance. Affected: yes.

PreventionGenetics, part of Exact Sciences
Classification: Likely benign for MEGF10-related condition. Last evaluated: 2019-11-21. Review status: no assertion criteria provided. Collection method: clinical testing. Allele origin: germline. Not counted in ClinVar's aggregate classification.
Comment: This variant is classified as likely benign based on ACMG/AMP sequence variant interpretation guidelines (Richards et al. 2015 PMID: 25741868, with internal and published modifications).